The following is an entry in ClinVar:

NM_007294.4(BRCA1):c.3932del (p.Asn1311fs)

Genes: BRCA1 (BRCA1 DNA repair associated; minus strand), LOC126862571 (BRD4-independent group 4 enhancer GRCh37_chr17:41243136-41244335; plus strand). Cytogenetic location: 17q21.31.
Variant type: Deletion.
Coding change: c.3932del on transcript NM_007294.4 (MANE Select); coding-DNA position 3932, one base deleted (A; older notation c.3932delA).
Protein change: p.Asn1311fs; shifts the reading frame from asparagine 1311.
Molecular consequence: frameshift variant. On other transcripts: intron variant (135).
Genome position (GRCh38, 1-based): chr17:43,091,599, T deleted on the plus strand (A on the coding strand, the reverse complement: BRCA1 is on the minus strand); the first of 3 consecutive T bases (chr17:43,091,599-43,091,601); deleting any one gives the same sequence. VCF-style (leftmost placement, unchanged base first): chr17-43091598-GT-G. GRCh37 (hg19) VCF-style: chr17-41243615-GT-G.
Other names: 4051delA; c.3719del, p.Asn1240fs (NM_001407571.1, NM_001407853.1, NM_001407894.1 and 9 more transcripts); c.3932del, p.Asn1311fs (NM_001407581.1, NM_001407582.1, NM_001407583.1 and 30 more transcripts); c.3929del, p.Asn1310fs (NM_001407587.1, NM_001407590.1, NM_001407591.1 and 22 more transcripts); c.3932delA (NM_007294.3); c.3923del, p.Asn1308fs (NM_001407646.1, NM_001407647.1); c.3809del, p.Asn1270fs (NM_001407648.1, NM_001407664.1, NM_001407665.1 and 19 more transcripts); c.3806del, p.Asn1269fs (NM_001407649.1, NM_001407670.1, NM_001407671.1 and 11 more transcripts); and 43 more; short protein forms N1264fs, N1311fs, N1015fs, N1143fs, N1184fs, N1199fs, N1200fs, N1241fs.
Identifiers: ClinVar variation 55055 (VCV000055055.29), dbSNP rs80357504, ClinGen allele CA002526.

ClinVar aggregate classification (germline): Pathogenic. Review status: reviewed by expert panel (3 of 4 stars). 4 submissions from 4 submitters: Pathogenic (1). 3 of the submissions do not count toward it. Last evaluated 2016-09-08.

Conditions:
Gastric cancer. Also called: Malignant tumor of stomach; Stomach cancer. Identifiers: MedGen C0024623, MeSH D013274, MONDO:0001056, OMIM 613659, HP:0012126.
Hereditary breast ovarian cancer syndrome. Also called: BRCA1- and BRCA2-Associated Hereditary Breast and Ovarian Cancer; Hereditary breast and ovarian cancer syndrome; Hereditary breast and ovarian cancer syndrome (HBOC); Breast and ovarian cancer; Hereditary breast and/or ovarian cancer syndrome; Hereditary breast and ovarian cancer. Identifiers: Orphanet 145, MedGen C0677776, MeSH D061325, MONDO:0003582. Disease mechanism: loss of function.
Breast-ovarian cancer, familial, susceptibility to, 1 (BROVCA1). Also called: BRCA1 Hereditary Breast and Ovarian Cancer; OVARIAN CANCER, SUSCEPTIBILITY TO. Identifiers: Orphanet 145, MedGen C2676676, MONDO:0011450, OMIM 604370. Disease mechanism: loss of function.

Submissions (4):

Evidence-based Network for the Interpretation of Germline Mutant Alleles (ENIGMA)
Classification: Pathogenic for Breast-ovarian cancer, familial, susceptibility to, 1. Last evaluated: 2016-09-08. Review status: reviewed by expert panel. Criteria: ENIGMA BRCA1/2 Classification Criteria (2015). Collection method: curation. Allele origin: germline.
Comment: Variant allele predicted to encode a truncated non-functional protein.

Labcorp Genetics (formerly Invitae), Labcorp
Classification: Pathogenic for Hereditary breast ovarian cancer syndrome. Last evaluated: 2018-11-21. Review status: criteria provided, single submitter. Criteria: Invitae Variant Classification Sherloc (09022015). Collection method: clinical testing. Allele origin: germline. Not counted in ClinVar's aggregate classification.
Comment: This variant is not present in population databases (ExAC no frequency). This sequence change creates a premature translational stop signal (p.Asn1311Thrfs*7) in the BRCA1 gene. It is expected to result in an absent or disrupted protein product. This variant has been observed in an individual affected with breast cancer (PMID: 8808710). This variant is also known as 4049delA in the literature. ClinVar contains an entry for this variant (Variation ID: 55055). Loss-of-function variants in BRCA1 are known to be pathogenic (PMID: 20104584). For these reasons, this variant has been classified as Pathogenic.

Laboratory for Genotyping Development, RIKEN
Classification: Pathogenic for Gastric cancer. Last evaluated: 2021-07-01. Review status: no assertion criteria provided. Collection method: research. Allele origin: germline. Not counted in ClinVar's aggregate classification.

Breast Cancer Information Core (BIC) (BRCA1)
Classification: Pathogenic for Breast-ovarian cancer, familial 1. Last evaluated: 2002-05-29. Review status: no assertion criteria provided. Collection method: clinical testing. Allele origin: germline. Affected: yes. Observed: 1 variant allele. Not counted in ClinVar's aggregate classification.

Literature cited by the submitters: PubMed 8808710 (cited by Labcorp Genetics (formerly Invitae), Labcorp); PubMed 20104584 (cited by Labcorp Genetics (formerly Invitae), Labcorp); PubMed 36988593 (cited by Laboratory for Genotyping Development, RIKEN).